The following is an entry in ClinVar:

ClinVar aggregate classification (germline): Uncertain significance (1 of 4 stars; one submission).

Conditions:
Charcot-Marie-Tooth disease dominant intermediate C (CMTDIC). Also called: CHARCOT-MARIE-TOOTH NEUROPATHY, DOMINANT INTERMEDIATE C. Identifiers: Orphanet 100045, MedGen C1842237, MONDO:0012012, OMIM 608323.

gnomAD v4.1: 6 of 1,614,026 alleles (0.00037%); highest among the groups gnomAD compares: Admixed American, 0.0017%; no homozygotes.

Submission:

Labcorp Genetics (formerly Invitae), Labcorp
Classification: Uncertain significance for Charcot-Marie-Tooth disease dominant intermediate C. Last evaluated: 2025-07-16. Review status: criteria provided, single submitter. Criteria: Invitae Variant Classification Sherloc (09022015). Collection method: clinical testing. Allele origin: germline.
Comment: This sequence change replaces isoleucine, which is neutral and non-polar, with valine, which is neutral and non-polar, at codon 14 of the YARS protein (p.Ile14Val). This variant is present in population databases (no rsID available, gnomAD 0.0009%). This variant has not been reported in the literature in individuals affected with YARS-related conditions. Invitae Evidence Modeling of protein sequence and biophysical properties (such as structural, functional, and spatial information, amino acid conservation, physicochemical variation, residue mobility, and thermodynamic stability) indicates that this missense variant is not expected to disrupt YARS protein function with a negative predictive value of 80%. In summary, the available evidence is currently insufficient to determine the role of this variant in disease. Therefore, it has been classified as a Variant of Uncertain Significance.

NM_003680.4(YARS1):c.40A>G (p.Ile14Val)

Genes: S100PBP (S100P binding protein; plus strand), YARS1 (tyrosyl-tRNA synthetase 1; minus strand). Cytogenetic location: 1p35.1.
Variant type: single nucleotide variant.
Coding change: c.40A>G on transcript NM_003680.4 (MANE Select); coding-DNA position 40, A replaced by G.
Protein change: p.Ile14Val; replaces isoleucine 14 with valine.
Molecular consequence: missense variant.
Genome position (GRCh38, 1-based): chr1:32,817,205, T>C on the plus strand (A>G on the coding strand, the complement: YARS1 is on the minus strand). VCF-style: chr1-32817205-T-C. GRCh37 (hg19) VCF-style: chr1-33282806-T-C.
Other names: short protein forms I14V.
Identifiers: ClinVar variation 4705869 (VCV004705869.1).